The following is an entry in ClinVar:

NM_001083962.2(TCF4):c.269A>G (p.Asn90Ser)

Genes: TCF4 (transcription factor 4; minus strand), TCF4-AS1 (TCF4 antisense RNA 1; plus strand). Cytogenetic location: 18q21.2.
Variant type: single nucleotide variant.
Coding change: c.269A>G on transcript NM_001083962.2 (MANE Select); coding-DNA position 269, A replaced by G.
Protein change: p.Asn90Ser; replaces asparagine 90 with serine.
Molecular consequence: missense variant.
Genome position (GRCh38, 1-based): chr18:55,461,054, T>C on the plus strand (A>G on the coding strand, the complement: TCF4 is on the minus strand). VCF-style: chr18-55461054-T-C. GRCh37 (hg19) VCF-style: chr18-53128285-T-C.
Other names: c.575A>G, p.Asn192Ser (NM_001243226.3); c.197A>G, p.Asn66Ser (NM_001243227.2, NM_001306207.1, NM_001348217.1 and 15 more transcripts); c.269A>G, p.Asn90Ser (NM_001243228.2, NM_001330604.3, NM_001369567.1 and 8 more transcripts); c.263A>G, p.Asn88Ser (NM_001243230.2); c.143A>G, p.Asn48Ser (NM_001243231.2, NM_001348211.2); short protein forms N90S, N66S, N192S, N88S, N48S.
Identifiers: ClinVar variation 167731 (VCV000167731.47), dbSNP rs143244149, ClinGen allele CA234991.

ClinVar aggregate classification (germline): Benign. Review status: reviewed by expert panel (3 of 4 stars). 10 submissions from 10 submitters: Benign (1). 9 of the submissions do not count toward it. Last evaluated 2021-03-26.

Conditions:
Inborn genetic diseases. Identifiers: MedGen C0950123, MeSH D030342.
Pitt-Hopkins syndrome (PTHS). Also called: ENCEPHALOPATHY, SEVERE EPILEPTIC, WITH AUTONOMIC DYSFUNCTION; MENTAL RETARDATION, SYNDROMAL, WITH INTERMITTENT HYPERVENTILATION. Identifiers: Orphanet 2896, MedGen C1970431, MONDO:0012589, OMIM 610954.

Allele frequency attached by ClinVar (database versions not stated): ExAC 0.00066; gnomAD exomes 0.00080 and 0.00037; gnomAD 0.00064 and 0.00067; TOPMed 0.00065; ESP Exome Variant Server 0.00108.
gnomAD v4.1: 672 of 1,613,264 alleles (0.042%); highest among the groups gnomAD compares: Middle Eastern, 0.082%; 5 homozygotes.

Submissions (10):

ClinGen Rett and Angelman-like Disorders Variant Curation Expert Panel
Classification: Benign for Pitt-Hopkins syndrome. Last evaluated: 2021-03-26. Review status: reviewed by expert panel. Criteria: ClinGen RettAS ACMG Specifications V1. Collection method: curation. Allele origin: germline. Inheritance: Autosomal dominant inheritance.
Comment: The allele frequency of the p.Asn90Ser variant in TCF4 is 1.5% in Ashkenazi Jewish sub population in gnomAD, which is high enough to be classified as benign based on thresholds defined by the ClinGen Rett/Angelman-like Expert Panel for Rett/AS-like conditions (BA1). The p.Asn90Ser variant is observed in at least 2 unaffected individuals (internal database) (BS2). Computational analysis prediction tools suggest that the p.Asn90Ser variant does not have a deleterious impact; however this information does not predict clinical significance on its own (BP4). In summary, the p.Asn90Ser variant in TCF4 is classified as benign based on the ACMG/AMP criteria (BA1, BS2, BP4).

CeGaT Center for Human Genetics Tuebingen
Classification: Likely benign. Last evaluated: 2026-02-01. Review status: criteria provided, single submitter. Criteria: CeGaT Center For Human Genetics Tuebingen Variant Classification Criteria Version 2. Collection method: clinical testing. Allele origin: germline. Affected: yes. Observed: 2 variant alleles. Not counted in ClinVar's aggregate classification.
Comment: TCF4: BS1

Labcorp Genetics (formerly Invitae), Labcorp
Classification: Benign for Pitt-Hopkins syndrome. Last evaluated: 2026-01-05. Review status: criteria provided, single submitter. Criteria: Invitae Variant Classification Sherloc (09022015). Collection method: clinical testing. Allele origin: germline. Not counted in ClinVar's aggregate classification.

Athena Diagnostics
Classification: Benign. Last evaluated: 2025-04-15. Review status: criteria provided, single submitter. Criteria: Athena Diagnostics Criteria. Collection method: clinical testing. Allele origin: unknown. Not counted in ClinVar's aggregate classification.
Comment: The frequency of this variant in the general population is higher than would generally be expected for pathogenic variants in this gene.

Blueprint Genetics
Classification: Likely benign. Last evaluated: 2024-10-23. Review status: criteria provided, single submitter. Criteria: ACMG Guidelines, 2015. Collection method: clinical testing. Allele origin: germline. Not counted in ClinVar's aggregate classification.

Illumina Laboratory Services, Illumina
Classification: Benign for Pitt-Hopkins syndrome. Last evaluated: 2018-01-13. Review status: criteria provided, single submitter. Criteria: ICSL Variant Classification Criteria 13 December 2019. Collection method: clinical testing. Allele origin: germline. Not counted in ClinVar's aggregate classification.
Comment: This variant was observed in the ICSL laboratory as part of a predisposition screen in an ostensibly healthy population. It had not been previously curated by ICSL or reported in the Human Gene Mutation Database (HGMD: prior to June 1st, 2018), and was therefore a candidate for classification through an automated scoring system. Utilizing variant allele frequency, disease prevalence and penetrance estimates, and inheritance mode, an automated score was calculated to assess if this variant is too frequent to cause the disease. Based on the score and internal cut-off values, a variant classified as benign is not then subjected to further curation. The score for this variant resulted in a classification of benign for this disease.

Genetic Services Laboratory, University of Chicago
Classification: Benign. Last evaluated: 2017-12-13. Review status: criteria provided, single submitter. Criteria: ACMG Guidelines, 2015. Collection method: clinical testing. Allele origin: germline. Affected: no. Not counted in ClinVar's aggregate classification.

GeneDx
Classification: Benign. Last evaluated: 2017-05-12. Review status: criteria provided, single submitter. Criteria: GeneDx Variant Classification (06012015). Collection method: clinical testing. Allele origin: germline. Affected: yes. Not counted in ClinVar's aggregate classification.
Comment: This variant is considered likely benign or benign based on one or more of the following criteria: it is a conservative change, it occurs at a poorly conserved position in the protein, it is predicted to be benign by multiple in silico algorithms, and/or has population frequency not consistent with disease.

Ambry Genetics
Classification: Benign for Inborn genetic diseases. Last evaluated: 2017-03-21. Review status: criteria provided, single submitter. Criteria: Ambry Variant Classification Scheme 2023. Collection method: clinical testing. Allele origin: germline. Not counted in ClinVar's aggregate classification.

Eurofins Ntd Llc (ga)
Classification: Likely benign. Last evaluated: 2015-06-25. Review status: criteria provided, single submitter. Criteria: EGL Classification Definitions 2015. Collection method: clinical testing. Allele origin: germline. Observed: 5 variant alleles, 5 heterozygotes. Not counted in ClinVar's aggregate classification.

Literature cited by the submitters: PubMed 34748727 (cited by Athena Diagnostics).